The following is an entry in ClinVar:

ClinVar aggregate classification (germline): Uncertain significance. Review status: criteria provided, multiple submitters, no conflicts (2 of 4 stars). 2 submissions from 2 submitters: Uncertain significance (2). Last evaluated 2022-11-26.

Conditions:
Inborn genetic diseases. Identifiers: MedGen C0950123, MeSH D030342.

Allele frequency attached by ClinVar (database versions not stated): ExAC 0.00002; gnomAD 0.00002; gnomAD exomes 0.00002; TOPMed 0.00002.
gnomAD v4.1: 28 of 1,606,578 alleles (0.0017%); highest among the groups gnomAD compares: South Asian, 0.013%; no homozygotes.

Submissions (2):

Labcorp Genetics (formerly Invitae), Labcorp
Classification: Uncertain significance. Last evaluated: 2022-11-26. Review status: criteria provided, single submitter. Criteria: Invitae Variant Classification Sherloc (09022015). Collection method: clinical testing. Allele origin: germline.
Comment: This sequence change replaces valine, which is neutral and non-polar, with methionine, which is neutral and non-polar, at codon 641 of the ATP1A1 protein (p.Val641Met). This variant is present in population databases (rs769421768, gnomAD 0.004%). This variant has not been reported in the literature in individuals affected with ATP1A1-related conditions. Advanced modeling of protein sequence and biophysical properties (such as structural, functional, and spatial information, amino acid conservation, physicochemical variation, residue mobility, and thermodynamic stability) performed at Invitae indicates that this missense variant is not expected to disrupt ATP1A1 protein function. In summary, the available evidence is currently insufficient to determine the role of this variant in disease. Therefore, it has been classified as a Variant of Uncertain Significance.

Ambry Genetics
Classification: Uncertain significance for Inborn genetic diseases. Last evaluated: 2021-07-20. Review status: criteria provided, single submitter. Criteria: Ambry Variant Classification Scheme 2023. Collection method: clinical testing. Allele origin: germline.

NM_000701.8(ATP1A1):c.1921G>A (p.Val641Met)

Genes: ATP1A1 (ATPase Na+/K+ transporting subunit alpha 1; plus strand), ATP1A1-AS1 (ATP1A1 antisense RNA 1; minus strand). Cytogenetic location: 1p13.1.
Variant type: single nucleotide variant.
Coding change: c.1921G>A on transcript NM_000701.8 (MANE Select); coding-DNA position 1921, G replaced by A.
Protein change: p.Val641Met; replaces valine 641 with methionine.
Molecular consequence: missense variant.
Genome position (GRCh38, 1-based): chr1:116,396,682, G>A. VCF-style: chr1-116396682-G-A. GRCh37 (hg19) VCF-style: chr1-116939304-G-A.
Other names: c.1921G>A, p.Val641Met (NM_001160233.2); c.1828G>A, p.Val610Met (NM_001160234.2); short protein forms V610M, V641M.
Identifiers: ClinVar variation 1980214 (VCV001980214.5), dbSNP rs769421768, ClinGen allele CA1025417.